The following is an entry in ClinVar:

ClinVar aggregate classification (germline): Uncertain significance. Review status: criteria provided, multiple submitters, no conflicts (2 of 4 stars). 2 submissions from 2 submitters: Uncertain significance (2). Last evaluated 2024-08-29.

Conditions:
Inborn genetic diseases. Identifiers: MedGen C0950123, MeSH D030342.

Allele frequency attached by ClinVar (database versions not stated): gnomAD exomes 0.00002; ExAC 0.00008; gnomAD 0.00009; TOPMed 0.00011.
gnomAD v4.1: 39 of 1,613,106 alleles (0.0024%); highest among the groups gnomAD compares: East Asian, 0.06%; no homozygotes.

Submissions (2):

Labcorp Genetics (formerly Invitae), Labcorp
Classification: Uncertain significance. Last evaluated: 2024-08-29. Review status: criteria provided, single submitter. Criteria: Invitae Variant Classification Sherloc (09022015). Collection method: clinical testing. Allele origin: germline.
Comment: This sequence change replaces proline, which is neutral and non-polar, with serine, which is neutral and polar, at codon 3256 of the DCHS1 protein (p.Pro3256Ser). This variant is present in population databases (rs749886693, gnomAD 0.2%). This variant has not been reported in the literature in individuals affected with DCHS1-related conditions. Invitae Evidence Modeling of protein sequence and biophysical properties (such as structural, functional, and spatial information, amino acid conservation, physicochemical variation, residue mobility, and thermodynamic stability) indicates that this missense variant is expected to disrupt DCHS1 protein function with a positive predictive value of 95%. In summary, the available evidence is currently insufficient to determine the role of this variant in disease. Therefore, it has been classified as a Variant of Uncertain Significance.

Ambry Genetics
Classification: Uncertain significance for Inborn genetic diseases. Last evaluated: 2023-12-17. Review status: criteria provided, single submitter. Criteria: Ambry Variant Classification Scheme 2023. Collection method: clinical testing. Allele origin: germline.

NM_003737.4(DCHS1):c.9766C>T (p.Pro3256Ser)

Gene: DCHS1 (dachsous cadherin-related 1; minus strand). Cytogenetic location: 11p15.4.
Variant type: single nucleotide variant.
Coding change: c.9766C>T on transcript NM_003737.4 (MANE Select); coding-DNA position 9766, C replaced by T.
Protein change: p.Pro3256Ser; replaces proline 3256 with serine.
Molecular consequence: missense variant.
Genome position (GRCh38, 1-based): chr11:6,621,910, G>A on the plus strand (C>T on the coding strand, the complement: DCHS1 is on the minus strand). VCF-style: chr11-6621910-G-A. GRCh37 (hg19) VCF-style: chr11-6643141-G-A.
Other names: short protein forms P3256S.
Identifiers: ClinVar variation 3080469 (VCV003080469.3), dbSNP rs749886693, ClinGen allele CA5859182.